The following is an entry in ClinVar:

ClinVar aggregate classification (germline): Benign (1 of 4 stars; one submission).

Conditions:
X-linked lymphoproliferative disease due to XIAP deficiency. Also called: XIAP-Related Lymphoproliferative Disease, X-Linked; XIAP DEFICIENCY. Identifiers: Orphanet 2442, Orphanet 538934, MedGen C1845076, MONDO:0010385, OMIM 300635.

Allele frequency attached by ClinVar (database versions not stated): TOPMed 0.00014; 1000 Genomes Project 0.02570.

Submission:

Illumina Laboratory Services, Illumina
Classification: Benign for X-linked lymphoproliferative disease due to XIAP deficiency. Last evaluated: 2018-01-12. Review status: criteria provided, single submitter. Criteria: ICSL Variant Classification Criteria 13 December 2019. Collection method: clinical testing. Allele origin: germline.
Comment: This variant was observed in the ICSL laboratory as part of a predisposition screen in an ostensibly healthy population. It had not been previously curated by ICSL or reported in the Human Gene Mutation Database (HGMD: prior to June 1st, 2018), and was therefore a candidate for classification through an automated scoring system. Utilizing variant allele frequency, disease prevalence and penetrance estimates, and inheritance mode, an automated score was calculated to assess if this variant is too frequent to cause the disease. Based on the score and internal cut-off values, a variant classified as benign is not then subjected to further curation. The score for this variant resulted in a classification of benign for this disease.

NM_001167.4(XIAP):c.*4149A>G

Gene: XIAP (X-linked inhibitor of apoptosis; plus strand). Cytogenetic location: Xq25.
Variant type: single nucleotide variant.
Coding change: c.*4149A>G on transcript NM_001167.4 (MANE Select); 4149 bases downstream of the stop codon, A replaced by G.
Molecular consequence: 3 prime UTR variant. On other transcripts: non-coding transcript variant (2).
Genome position (GRCh38, 1-based): chrX:123,911,330, A>G. VCF-style: chrX-123911330-A-G. GRCh37 (hg19) VCF-style: chrX-123045180-A-G.
Other names: c.*4149A>G (NM_001204401.2, NM_001378590.1, NM_001378591.1 and 1 more transcripts).
Identifiers: ClinVar variation 914742 (VCV000914742.4), dbSNP rs770722290, ClinGen allele CA335089661.